The following is an entry in ClinVar:

ClinVar aggregate classification (germline): Uncertain significance (1 of 4 stars; one submission).

Conditions:
Joubert syndrome 21 (JBTS21). Identifiers: MedGen C3810212, MONDO:0014288, OMIM 615636.

Submission:

Labcorp Genetics (formerly Invitae), Labcorp
Classification: Uncertain significance for Joubert syndrome 21. Last evaluated: 2022-07-26. Review status: criteria provided, single submitter. Criteria: Invitae Variant Classification Sherloc (09022015). Collection method: clinical testing. Allele origin: germline.
Comment: Algorithms developed to predict the effect of missense changes on protein structure and function are either unavailable or do not agree on the potential impact of this missense change (SIFT: "Deleterious"; PolyPhen-2: "Possibly Damaging"; Align-GVGD: "Class C0"). In summary, the available evidence is currently insufficient to determine the role of this variant in disease. Therefore, it has been classified as a Variant of Uncertain Significance. ClinVar contains an entry for this variant (Variation ID: 1423205). This variant has not been reported in the literature in individuals affected with CSPP1-related conditions. This variant is not present in population databases (gnomAD no frequency). This sequence change replaces proline, which is neutral and non-polar, with arginine, which is basic and polar, at codon 265 of the CSPP1 protein (p.Pro265Arg).

NM_001382391.1(CSPP1):c.767C>G (p.Pro256Arg)

Gene: CSPP1 (centrosome and spindle pole associated protein 1; plus strand). Cytogenetic location: 8q13.1.
Variant type: single nucleotide variant.
Coding change: c.767C>G on transcript NM_001382391.1 (MANE Select); coding-DNA position 767, C replaced by G.
Protein change: p.Pro256Arg; replaces proline 256 with arginine.
Molecular consequence: missense variant. On other transcripts: 5 prime UTR variant (1).
Genome position (GRCh38, 1-based): chr8:67,095,576, C>G. VCF-style: chr8-67095576-C-G. GRCh37 (hg19) VCF-style: chr8-68007811-C-G.
Other names: c.-89C>G (NM_001291339.2); c.686C>G, p.Pro229Arg (NM_001363131.2, NM_001363133.2); c.767C>G, p.Pro256Arg (NM_001363132.2); c.875C>G, p.Pro292Arg (NM_001364869.1); c.794C>G, p.Pro265Arg (NM_001364870.1, NM_024790.7); short protein forms P292R, P256R, P229R, P265R.
Identifiers: ClinVar variation 1423205 (VCV001423205.6), dbSNP rs2129545507, ClinGen allele CA371191148.
Genomic context (GRCh38, chr8:67,095,576, plus strand): 5'-ATGAAGAAGTGGGCATTTCCAACCTAAAACATCAAAGGTTTGCAAGCAAGGCTGGCATTC[C>G]AGATAGAAGATTTCACAGATTTAATGAGGATCGTGTTTTTGATAGACGGTATCATAGACC-3'
Protein context (NP_001369320.1, residues 246-266): HQRFASKAGI[Pro256Arg]DRRFHRFNED